The following is an entry in ClinVar:

ClinVar aggregate classification (germline): Uncertain significance (1 of 4 stars; one submission).

Submission:

Ambry Genetics
Classification: Uncertain significance. Last evaluated: 2024-03-24. Review status: criteria provided, single submitter. Criteria: Ambry Variant Classification Scheme 2023. Collection method: clinical testing. Allele origin: germline.
Comment: The p.T792K variant (also known as c.2375C>A), located in coding exon 24 of the NEBL gene, results from a C to A substitution at nucleotide position 2375. The threonine at codon 792 is replaced by lysine, an amino acid with similar properties. This amino acid position is conserved. In addition, this alteration is predicted to be tolerated by in silico analysis. Based on the available evidence, the clinical significance of this alteration remains unclear.

NM_006393.3(NEBL):c.2375C>A (p.Thr792Lys)

Gene: NEBL (nebulette; minus strand). Cytogenetic location: 10p12.31.
Variant type: single nucleotide variant.
Coding change: c.2375C>A on transcript NM_006393.3 (MANE Select); coding-DNA position 2375, C replaced by A.
Protein change: p.Thr792Lys; replaces threonine 792 with lysine.
Molecular consequence: missense variant.
Genome position (GRCh38, 1-based): chr10:20,812,912, G>T on the plus strand (C>A on the coding strand, the complement: NEBL is on the minus strand). VCF-style: chr10-20812912-G-T. GRCh37 (hg19) VCF-style: chr10-21101841-G-T.
Other names: c.386C>A, p.Thr129Lys (NM_001173484.2, NM_001377322.1, NM_213569.2); c.338C>A, p.Thr113Lys (NM_001377323.1); c.329C>A, p.Thr110Lys (NM_001377324.1); c.320C>A, p.Thr107Lys (NM_001377325.1); c.278C>A, p.Thr93Lys (NM_001377326.1, NM_001377327.1, NM_001377328.1); short protein forms T792K, T113K, T129K, T110K, T93K, T107K.
Identifiers: ClinVar variation 3299113 (VCV003299113.1).